The following is an entry in ClinVar:

ClinVar aggregate classification (germline): Likely pathogenic (1 of 4 stars; one submission).

Conditions:
Arginase deficiency. Also called: ARGININEMIA; ARG1 DEFICIENCY; Arginase 1 Deficiency. Identifiers: Orphanet 90, MedGen C0268548, MONDO:0008814, OMIM 207800.

Submission:

Women's Health and Genetics/Laboratory Corporation of America, LabCorp
Classification: Likely pathogenic for Arginase deficiency. Last evaluated: 2024-11-07. Review status: criteria provided, single submitter. Criteria: LabCorp Variant Classification Summary - May 2015. Collection method: clinical testing. Allele origin: germline.
Comment: Variant summary: ARG1 c.386_388delTCA (p.Ile129del) results in an in-frame deletion that is predicted to remove one amino acid from the encoded protein. The variant was absent in 250744 control chromosomes (gnomAD). c.386_388delTCA has been reported in the literature in at least one homozygous individual affected with Arginase Deficiency (Vockley_1996). These data indicate that the variant may be associated with disease. At least one publication reports experimental evidence evaluating an impact on protein function. The most pronounced variant effect results in <10% of normal activity (Vockley_1996). The following publications have been ascertained in the context of this evaluation (PMID: 9758714, 29726057, 8902193). No submitters have cited clinical-significance assessments for this variant to ClinVar. Based on the evidence outlined above, the variant was classified as likely pathogenic.

Literature cited by the submitters: PubMed 29726057; PubMed 8902193; PubMed 9758714.

NM_000045.4(ARG1):c.386_388del (p.Ile129del)

Genes: ARG1 (arginase 1; plus strand), MED23 (mediator complex subunit 23; minus strand). Cytogenetic location: 6q23.2.
Variant type: Deletion.
Coding change: c.386_388del on transcript NM_000045.4 (MANE Select); coding-DNA positions 386 to 388, 3 bases deleted (TCA; older notation c.386_388delTCA).
Protein change: p.Ile129del; deletes isoleucine 129.
Molecular consequence: inframe deletion. On other transcripts: non-coding transcript variant (1), intron variant (3).
Genome position (GRCh38, 1-based): chr6:131,581,299-131,581,301, TCA deleted; deleting any 3 consecutive bases within chr6:131,581,298-131,581,301 gives the same sequence; the c. name uses the placement nearest the transcript's 3' end. VCF-style (leftmost placement, unchanged base first): chr6-131581297-TATC-T. GRCh37 (hg19) VCF-style: chr6-131902437-TATC-T.
Other names: c.386_388delTCA (NM_000045.4); c.410_412del, p.Ile137del (NM_001244438.2); c.306-1761_306-1759del (NM_001369020.1); c.4077+6409_4077+6411del (NM_001270521.2); c.4095+6409_4095+6411del (NM_015979.4); short protein forms I129del, I137del.
Identifiers: ClinVar variation 3629772 (VCV003629772.1).